The following is an entry in ClinVar:

NM_025074.7(FRAS1):c.5716del (p.Ile1906fs)

Gene: FRAS1 (Fraser extracellular matrix complex subunit 1; plus strand). Cytogenetic location: 4q21.21.
Variant type: Deletion.
Coding change: c.5716del on transcript NM_025074.7 (MANE Select); coding-DNA position 5716, one base deleted (A; older notation c.5716delA).
Protein change: p.Ile1906fs; shifts the reading frame from isoleucine 1906.
Molecular consequence: frameshift variant.
Genome position (GRCh38, 1-based): chr4:78,445,572, A deleted. VCF-style (leftmost placement, unchanged base first): chr4-78445571-TA-T. GRCh37 (hg19) VCF-style: chr4-79366725-TA-T.
Other names: c.5716del, p.Ile1906fs (NM_001166133.2); c.5716delA (NM_025074.6); short protein forms I1906fs.
Identifiers: ClinVar variation 916662 (VCV000916662.3), dbSNP rs1718790934, ClinGen allele CA1139658528.
Genomic context (GRCh38, chr4:78,445,571, plus strand): 5'-TGTTGATGCAGGTGATCGTTTTGGCCCTGAAACTGCCAGTGACCTAGAGGCATCATTTCC[TA>T]TTCAAGACGTCCTGGAAAACTACATTTACTACTTTCAGAGTGTTCATGAAAGCATTGAGC-3'

ClinVar aggregate classification (germline): Pathogenic (1 of 4 stars; one submission).

Conditions:
Fraser syndrome 1 (FRASRS1). Also called: CRYPTOPHTHALMOS WITH OTHER MALFORMATIONS. Identifiers: Orphanet 2052, MedGen C4551480, MONDO:0054737, OMIM 219000.

Allele frequency attached by ClinVar (database versions not stated): TOPMed below 0.00001.

Submission:

Service de Biochimie Médicale et Biologie Moléculaire, CHU Clermont-Ferrand
Classification: Pathogenic for Fraser syndrome 1. Last evaluated: 2018-09-14. Review status: criteria provided, single submitter. Criteria: ACMG Guidelines, 2015. Collection method: clinical testing. Allele origin: inherited. Inheritance: Autosomal recessive inheritance. Affected: yes.
Comment: This variant in homozygous state or compound heterozygous state induced Fraser syndrome phenotype